The following is an entry in ClinVar:

ClinVar aggregate classification (germline): Benign/Likely benign. Review status: criteria provided, multiple submitters, no conflicts (2 of 4 stars). 6 submissions from 6 submitters: Benign (1); Likely benign (5). Last evaluated 2025-10-26.

Conditions:
GSDME-related disorder. Also called: GSDME-related condition.
Inborn genetic diseases. Identifiers: MedGen C0950123, MeSH D030342.

Allele frequency attached by ClinVar (database versions not stated): gnomAD exomes 0.00003 and 0.00010; TOPMed 0.00003; gnomAD 0.00005 and 0.00007; ExAC 0.00010; 1000 Genomes Project 0.00060; 1000 Genomes Project 30x 0.00078.
gnomAD v4.1: 57 of 1,614,100 alleles (0.0035%); highest among the groups gnomAD compares: East Asian, 0.065%; no homozygotes.

Submissions (6):

PreventionGenetics, part of Exact Sciences
Classification: Likely benign for GSDME-related condition. Last evaluated: 2025-10-26. Review status: criteria provided, single submitter. Criteria: ACMG Guidelines, 2015. Collection method: clinical testing. Allele origin: germline.
Comment: This variant is classified as likely benign based on ACMG/AMP sequence variant interpretation guidelines (Richards et al. 2015 PMID: 25741868, with internal and published modifications).

Ambry Genetics
Classification: Likely benign for Inborn genetic diseases. Last evaluated: 2025-09-25. Review status: criteria provided, single submitter. Criteria: Ambry Variant Classification Scheme 2023. Collection method: clinical testing. Allele origin: germline.

Labcorp Genetics (formerly Invitae), Labcorp
Classification: Likely benign. Last evaluated: 2024-01-31. Review status: criteria provided, single submitter. Criteria: Invitae Variant Classification Sherloc (09022015). Collection method: clinical testing. Allele origin: germline.

Blueprint Genetics
Classification: Likely benign. Last evaluated: 2023-10-04. Review status: criteria provided, single submitter. Criteria: ACMG Guidelines, 2015. Collection method: clinical testing. Allele origin: germline.

GeneDx
Classification: Likely benign. Last evaluated: 2020-09-17. Review status: criteria provided, single submitter. Criteria: GeneDx Variant Classification Process June 2021. Collection method: clinical testing. Allele origin: germline. Affected: yes.

Laboratory for Molecular Medicine, Mass General Brigham Personalized Medicine
Classification: Benign. Last evaluated: 2020-04-02. Review status: criteria provided, single submitter. Criteria: LMM Criteria. Collection method: clinical testing. Allele origin: germline. Observed: 1 variant allele.
Comment: The p.Thr196Met variant in DFNA5 is classified as benign because it has been identified in 0.1% (20/18386) of East Asian chromosomes by gnomAD. ACMG/AMP Criteria applied: BA1.

NM_001127453.2(GSDME):c.587C>T (p.Thr196Met)

Gene: GSDME (gasdermin E; minus strand). Cytogenetic location: 7p15.3.
Variant type: single nucleotide variant.
Coding change: c.587C>T on transcript NM_001127453.2 (MANE Select); coding-DNA position 587, C replaced by T.
Protein change: p.Thr196Met; replaces threonine 196 with methionine.
Molecular consequence: missense variant.
Genome position (GRCh38, 1-based): chr7:24,717,364, G>A on the plus strand (C>T on the coding strand, the complement: GSDME is on the minus strand). VCF-style: chr7-24717364-G-A. GRCh37 (hg19) VCF-style: chr7-24756983-G-A.
Other names: c.95C>T, p.Thr32Met (NM_001127454.2); c.587C>T, p.Thr196Met (NM_004403.3); short protein forms T196M, T32M.
Identifiers: ClinVar variation 929958 (VCV000929958.18), dbSNP rs183361282, ClinGen allele CA4191676.